The following is an entry in ClinVar:

NM_176824.3(BBS7):c.11T>C (p.Ile4Thr)

Genes: BBS7 (Bardet-Biedl syndrome 7; minus strand), LOC129993036 (ATAC-STARR-seq lymphoblastoid active region 21872; plus strand). Cytogenetic location: 4q27.
Variant type: single nucleotide variant.
Coding change: c.11T>C on transcript NM_176824.3 (MANE Select); coding-DNA position 11, T replaced by C.
Protein change: p.Ile4Thr; replaces isoleucine 4 with threonine.
Molecular consequence: missense variant.
Genome position (GRCh38, 1-based): chr4:121,870,303, A>G on the plus strand (T>C on the coding strand, the complement: BBS7 is on the minus strand). VCF-style: chr4-121870303-A-G. GRCh37 (hg19) VCF-style: chr4-122791458-A-G.
Other names: c.11T>C, p.Ile4Thr (NM_018190.4); short protein forms I4T.
Identifiers: ClinVar variation 347489 (VCV000347489.15), dbSNP rs542274936, ClinGen allele CA3064641.
Genomic context (GRCh38, chr4:121,870,303, plus strand): 5'-CCCAGCGCGGCGCCCGCCCTATCCCTTGGGTTTACCTGCAGATAATCCATTCGGTTTAAA[A>G]TCAGATCCATGATGACTACGCGGAGGGGCTAAGCAGCGCCGGACAAGAACAGGAGGGACA-3'
Protein context (NP_789794.1, residues 1-14): MDL[Ile4Thr]LNRMDYLQVG

ClinVar aggregate classification (germline): Conflicting classifications of pathogenicity. Review status: criteria provided, conflicting classifications (1 of 4 stars). 4 submissions from 4 submitters: Uncertain significance (2); Likely benign (1). 1 of the submissions does not count toward it. Last evaluated 2026-01-26.

Conditions:
BBS7-related disorder. Also called: BBS7-related condition.
Bardet-Biedl syndrome 7 (BBS7). Identifiers: Orphanet 110, MedGen C1859565, MONDO:0014435, OMIM 615984.
Bardet-Biedl syndrome (BBS). Identifiers: Orphanet 110, MedGen C0752166, MONDO:0015229.

Allele frequency attached by ClinVar (database versions not stated): gnomAD below 0.00001 and 0.00011; TOPMed 0.00002; gnomAD exomes 0.00012 and 0.00027; ExAC 0.00027; 1000 Genomes Project 30x 0.00031; 1000 Genomes Project 0.00040.
gnomAD v4.1: 192 of 1,614,182 alleles (0.012%); highest among the groups gnomAD compares: South Asian, 0.2%; no homozygotes.

Submissions (4):

Labcorp Genetics (formerly Invitae), Labcorp
Classification: Likely benign for Bardet-Biedl syndrome. Last evaluated: 2026-01-26. Review status: criteria provided, single submitter. Criteria: Invitae Variant Classification Sherloc (09022015). Collection method: clinical testing. Allele origin: germline.

Blueprint Genetics
Classification: Uncertain significance. Last evaluated: 2024-07-02. Review status: criteria provided, single submitter. Criteria: ACMG Guidelines, 2015. Collection method: clinical testing. Allele origin: germline.

Illumina Laboratory Services, Illumina
Classification: Uncertain significance for Bardet-Biedl syndrome 7. Last evaluated: 2018-01-13. Review status: criteria provided, single submitter. Criteria: ICSL Variant Classification Criteria 13 December 2019. Collection method: clinical testing. Allele origin: germline.

PreventionGenetics, part of Exact Sciences
Classification: Likely benign for BBS7-related condition. Last evaluated: 2023-08-22. Review status: no assertion criteria provided. Collection method: clinical testing. Allele origin: germline. Not counted in ClinVar's aggregate classification.
Comment: This variant is classified as likely benign based on ACMG/AMP sequence variant interpretation guidelines (Richards et al. 2015 PMID: 25741868, with internal and published modifications).